The following is an entry in ClinVar:

NM_001113491.2(SEPTIN9):c.1186A>G (p.Asn396Asp)

Gene: SEPTIN9 (septin 9; plus strand). Cytogenetic location: 17q25.3.
Variant type: single nucleotide variant.
Coding change: c.1186A>G on transcript NM_001113491.2 (MANE Select); coding-DNA position 1186, A replaced by G.
Protein change: p.Asn396Asp; replaces asparagine 396 with aspartic acid.
Molecular consequence: missense variant.
Genome position (GRCh38, 1-based): chr17:77,488,788, A>G. VCF-style: chr17-77488788-A-G. GRCh37 (hg19) VCF-style: chr17-75484870-A-G.
Other names: c.694A>G, p.Asn232Asp (NM_001113492.2, NM_001113494.1); c.1165A>G, p.Asn389Asp (NM_001113493.2); c.433A>G, p.Asn145Asp (NM_001113495.2, NM_001113496.2, NM_001293697.2 and 1 more transcripts); c.1129A>G, p.Asn377Asp (NM_001293695.2); c.514A>G, p.Asn172Asp (NM_001293696.2); c.1132A>G, p.Asn378Asp (NM_006640.5); short protein forms N145D, N172D, N232D, N377D, N378D, N389D, N396D.
Identifiers: ClinVar variation 1682646 (VCV001682646.5), dbSNP rs939608289, ClinGen allele CA294295155.
Genomic context (GRCh38, chr17:77,488,788, plus strand): 5'-TGGCAGCCCATCATGAAGTTCATCAATGACCAGTACGAGAAATACCTGCAGGAGGAGGTC[A>G]ACATCAACCGCAAGAAGCGCATCCCGGACACCCGCGTCCACTGCTGCCTCTACTTCATCC-3'
Protein context (NP_001106963.1, residues 386-406): QYEKYLQEEV[Asn396Asp]INRKKRIPDT

ClinVar aggregate classification (germline): Uncertain significance (1 of 4 stars; one submission).

Allele frequency attached by ClinVar (database versions not stated): gnomAD exomes below 0.00001 and 0.00001; gnomAD 0.00001; TOPMed 0.00002.
gnomAD v4.1: 4 of 1,613,830 alleles (0.00025%); highest among the groups gnomAD compares: Admixed American, 0.0017%; no homozygotes.

Submission:

Labcorp Genetics (formerly Invitae), Labcorp
Classification: Uncertain significance. Last evaluated: 2024-07-31. Review status: criteria provided, single submitter. Criteria: Invitae Variant Classification Sherloc (09022015). Collection method: clinical testing. Allele origin: germline.
Comment: This sequence change replaces asparagine, which is neutral and polar, with aspartic acid, which is acidic and polar, at codon 378 of the SEPT9 protein (p.Asn378Asp). This variant is present in population databases (no rsID available, gnomAD 0.003%). This variant has not been reported in the literature in individuals affected with SEPT9-related conditions. ClinVar contains an entry for this variant (Variation ID: 1682646). Advanced modeling of protein sequence and biophysical properties (such as structural, functional, and spatial information, amino acid conservation, physicochemical variation, residue mobility, and thermodynamic stability) performed at Invitae indicates that this missense variant is not expected to disrupt SEPT9 protein function with a negative predictive value of 80%. In summary, the available evidence is currently insufficient to determine the role of this variant in disease. Therefore, it has been classified as a Variant of Uncertain Significance.